The following is an entry in ClinVar:

ClinVar aggregate classification (germline): Pathogenic/Likely pathogenic. Review status: criteria provided, multiple submitters, no conflicts (2 of 4 stars). 3 submissions from 3 submitters: Pathogenic (2); Likely pathogenic (1). Last evaluated 2025-07-09.

Conditions:
Glycogen storage disease type III (GSD3). Also called: FORBES DISEASE; Cori disease. Identifiers: Orphanet 366, MedGen C0017922, MONDO:0009291, OMIM 232400.

Submissions (3):

Myriad Genetics, Inc.
Classification: Pathogenic for Glycogen storage disease type III. Last evaluated: 2025-07-09. Review status: criteria provided, single submitter. Criteria: Myriad Autosomal Dominant, Autosomal Recessive and X-Linked Classification Criteria (2023). Collection method: clinical testing. Allele origin: unknown.
Comment: NM_000642.2(AGL):c.4234delC(G1413Afs*2) is expected to be pathogenic in the context of glycogen storage disease type III. This variant is predicted to lead to an abnormal or absent protein product due to the creation of a premature termination codon in AGL, a gene where loss-of-function variants are known to be pathogenic. Please note: this variant was assessed in the context of healthy population screening.

Natera, Inc.
Classification: Pathogenic for Glycogen storage disease type III. Last evaluated: 2025-03-24. Review status: criteria provided, single submitter. Criteria: Natera Variant Classification Schema (03/2026). Collection method: clinical testing. Allele origin: germline.
Comment: The c.4234del variant in AGL is a frameshift variant predicted to shift the reading frame beginning at codon 1413 and leads to a stop codon 2 codons downstream. This variant is expected to result in nonsense mediated decay, truncation, or a dysfunctional protein product. This variant is rare in the general population with a frequency below the threshold expected for the associated phenotype(s). This variant has been observed in one or more individuals affected with the associated recessive disease, as either homozygous or compound heterozygous with a second variant (PMID: 26984562). Given the available evidence, this variant is classified as Pathogenic.

Juno Genomics, Hangzhou Juno Genomics, Inc
Classification: Likely pathogenic for Glycogen storage disease type III. Review status: criteria provided, single submitter. Criteria: ACMG Guidelines, 2015. Collection method: clinical testing. Allele origin: germline.
Comment: Null variant in a gene where loss of function (LOF) is a known mechanism of disease.;Absent from controls (or at extremely low frequency if recessive) in Genome Aggregation Database.

Literature cited by the submitters: PubMed 26984562 (cited by Natera, Inc.).

NM_000642.3(AGL):c.4234del (p.Gly1413fs)

Gene: AGL (amylo-alpha-1,6-glucosidase and 4-alpha-glucanotransferase; plus strand). Cytogenetic location: 1p21.2.
Variant type: Deletion.
Coding change: c.4234del on transcript NM_000642.3 (MANE Select); coding-DNA position 4234, one base deleted (C; older notation c.4234delC).
Protein change: p.Gly1413fs; shifts the reading frame from glycine 1413.
Molecular consequence: frameshift variant.
Genome position (GRCh38, 1-based): chr1:99,915,461, C deleted; the last of 4 consecutive C bases (chr1:99,915,458-99,915,461); deleting any one gives the same sequence. VCF-style (leftmost placement, unchanged base first): chr1-99915457-TC-T. GRCh37 (hg19) VCF-style: chr1-100381013-TC-T.
Other names: c.4234del, p.Gly1413fs (NM_000028.3, NM_000643.3, NM_000644.3 and 1 more transcripts); c.4234del (NM_000642.2); c.4186del, p.Gly1397fs (NM_000646.3); c.4213del, p.Gly1406fs (NM_001425326.1); c.4033del, p.Gly1346fs (NM_001425327.1); c.4030del, p.Gly1345fs (NM_001425328.1); c.3895del, p.Gly1300fs (NM_001425329.1); c.3856del, p.Gly1287fs (NM_001425332.1); short protein forms G1300fs, G1406fs, G1287fs, G1345fs, G1346fs, G1397fs, G1413fs.
Identifiers: ClinVar variation 4068079 (VCV004068079.5).